The following is an entry in ClinVar:

NM_003384.3(VRK1):c.805A>G (p.Lys269Glu)

Gene: VRK1 (VRK serine/threonine kinase 1; plus strand). Cytogenetic location: 14q32.2.
Variant type: single nucleotide variant.
Coding change: c.805A>G on transcript NM_003384.3 (MANE Select); coding-DNA position 805, A replaced by G.
Protein change: p.Lys269Glu; replaces lysine 269 with glutamic acid.
Molecular consequence: missense variant.
Genome position (GRCh38, 1-based): chr14:96,856,225, A>G. VCF-style: chr14-96856225-A-G. GRCh37 (hg19) VCF-style: chr14-97322562-A-G.
Other names: short protein forms K269E.
Identifiers: ClinVar variation 937951 (VCV000937951.12), dbSNP rs1888147421, ClinGen allele CA390931575.
Genomic context (GRCh38, chr14:96,856,225, plus strand): 5'-TATTGCATGATCCAATGGCTTACTGGCCATCTTCCTTGGGAGGATAATTTGAAAGATCCT[A>G]AATATGTTAGAGATTCCAAAATTAGGTAAAGGAAAACTTAAGTTATTTCTAGCAAAATCA-3'
Protein context (NP_003375.1, residues 259-279): LPWEDNLKDP[Lys269Glu]YVRDSKIRYR

ClinVar aggregate classification (germline): Uncertain significance. Review status: criteria provided, multiple submitters, no conflicts (2 of 4 stars). 2 submissions from 2 submitters: Uncertain significance (2). Last evaluated 2025-08-05.

Conditions:
Inborn genetic diseases. Identifiers: MedGen C0950123, MeSH D030342.
Pontocerebellar hypoplasia type 1A (PCH1A). Also called: PONTOCEREBELLAR HYPOPLASIA WITH ANTERIOR HORN CELL DISEASE; PONTOCEREBELLAR HYPOPLASIA WITH INFANTILE SPINAL MUSCULAR ATROPHY. Identifiers: Orphanet 2254, Orphanet 88616, MedGen C1843504, MONDO:0011866, OMIM 607596.

Submissions (2):

Ambry Genetics
Classification: Uncertain significance for Inborn genetic diseases. Last evaluated: 2025-08-05. Review status: criteria provided, single submitter. Criteria: Ambry Variant Classification Scheme 2023. Collection method: clinical testing. Allele origin: germline.

Labcorp Genetics (formerly Invitae), Labcorp
Classification: Uncertain significance for Pontocerebellar hypoplasia type 1A. Last evaluated: 2019-08-23. Review status: criteria provided, single submitter. Criteria: Invitae Variant Classification Sherloc (09022015). Collection method: clinical testing. Allele origin: germline.
Comment: In summary, the available evidence is currently insufficient to determine the role of this variant in disease. Therefore, it has been classified as a Variant of Uncertain Significance. This sequence change replaces lysine with glutamic acid at codon 269 of the VRK1 protein (p.Lys269Glu). The lysine residue is weakly conserved and there is a small physicochemical difference between lysine and glutamic acid. This variant is not present in population databases (ExAC no frequency). This variant has not been reported in the literature in individuals with VRK1-related conditions. Algorithms developed to predict the effect of missense changes on protein structure and function (SIFT, PolyPhen-2, Align-GVGD) all suggest that this variant is likely to be tolerated, but these predictions have not been confirmed by published functional studies and their clinical significance is uncertain.